The following is an entry in ClinVar:

ClinVar aggregate classification (germline): Likely benign. Review status: criteria provided, multiple submitters, no conflicts (2 of 4 stars). 4 submissions from 4 submitters: Likely benign (3). 1 of the submissions does not count toward it. Last evaluated 2025-10-23.

Conditions:
Inborn genetic diseases. Identifiers: MedGen C0950123, MeSH D030342.
CHD7-related disorder. Also called: CHD7-related condition.
CHARGE syndrome (CHARGE). Also called: Hittner Hirsch Kreh syndrome; CHARGE ASSOCIATION--COLOBOMA, HEART ANOMALY, CHOANAL ATRESIA, RETARDATION, GENITAL AND EAR ANOMALIES; Coloboma, heart anomaly, choanal atresia, retardation, genital and ear anomalies; CHARGE association; Hall-Hittner syndrome. Identifiers: Orphanet 138, MedGen C0265354, MONDO:0008965.

Allele frequency attached by ClinVar (database versions not stated): TOPMed below 0.00001; gnomAD 0.00001; gnomAD exomes 0.00001; ExAC 0.00002.
gnomAD v4.1: 13 of 1,613,826 alleles (0.00081%); highest among the groups gnomAD compares: Non-Finnish European, 0.00093%; no homozygotes.

Submissions (4):

Labcorp Genetics (formerly Invitae), Labcorp
Classification: Likely benign for CHARGE syndrome. Last evaluated: 2025-10-23. Review status: criteria provided, single submitter. Criteria: Invitae Variant Classification Sherloc (09022015). Collection method: clinical testing. Allele origin: germline.

Ambry Genetics
Classification: Likely benign for Inborn genetic diseases. Last evaluated: 2023-12-31. Review status: criteria provided, single submitter. Criteria: Ambry Variant Classification Scheme 2023. Collection method: clinical testing. Allele origin: germline.

Blueprint Genetics
Classification: Likely benign. Last evaluated: 2022-09-09. Review status: criteria provided, single submitter. Criteria: ACMG Guidelines, 2015. Collection method: clinical testing. Allele origin: germline.

PreventionGenetics, part of Exact Sciences
Classification: Likely benign for CHD7-related condition. Last evaluated: 2019-11-06. Review status: no assertion criteria provided. Collection method: clinical testing. Allele origin: germline. Not counted in ClinVar's aggregate classification.
Comment: This variant is classified as likely benign based on ACMG/AMP sequence variant interpretation guidelines (Richards et al. 2015 PMID: 25741868, with internal and published modifications).

NM_017780.4(CHD7):c.5160C>T (p.Ala1720=)

Gene: CHD7 (chromodomain helicase DNA binding protein 7; plus strand). Cytogenetic location: 8q12.2.
Variant type: single nucleotide variant.
Coding change: c.5160C>T on transcript NM_017780.4 (MANE Select); coding-DNA position 5160, C replaced by T.
Protein change: p.Ala1720=; no amino-acid change (alanine 1720 retained).
Molecular consequence: synonymous variant. On other transcripts: intron variant (1).
Genome position (GRCh38, 1-based): chr8:60,845,359, C>T. VCF-style: chr8-60845359-C-T. GRCh37 (hg19) VCF-style: chr8-61757918-C-T.
Other names: c.1717-16870C>T (NM_001316690.1); c.5160C>T (NM_017780.3).
Identifiers: ClinVar variation 1112745 (VCV001112745.13), dbSNP rs766759257, ClinGen allele CA4760269.
Genomic context (GRCh38, chr8:60,845,359, plus strand): 5'-CCAGAGCACACAGCCGGTGGTGCAGGATGCCGACTGGCTGGCCAGCTGCAACCCAGATGC[C>T]CTGTTCCAGGAGGACAGCTACAAGAAACACCTGAAGCATCACTGTAACAAGTATGTTATT-3'
Protein context (NP_060250.2, residues 1710-1730): ADWLASCNPD[Ala1720=]LFQEDSYKKH